The following is an entry in ClinVar:

ClinVar aggregate classification (germline): Uncertain significance (1 of 4 stars; one submission).

Submission:

Dasa
Classification: Uncertain significance. Last evaluated: 2025-01-27. Review status: criteria provided, single submitter. Criteria: DASA Assertion Criteria. Collection method: clinical testing. Allele origin: germline.
Comment: NM_001293696.2(SEPTIN9):c.22G>A (p.Gly8Arg) is a missense variant that results in the substitution of glycine with arginine. This variant is absent from population databases. Computational prediction algorithms are consistent with a benign effect. The currently available literature and clinical evidence are not sufficient to establish a definitive association between this variant and the reported condition. Therefore, this variant is classified as a variant of uncertain significance.

NM_001113491.2(SEPTIN9):c.721+2410G>A

Gene: SEPTIN9 (septin 9; plus strand). Cytogenetic location: 17q25.3.
Variant type: single nucleotide variant.
Coding change: c.721+2410G>A on transcript NM_001113491.2 (MANE Select); 2410 bases into the intron after coding-DNA position 721, G replaced by A.
Molecular consequence: intron variant. On other transcripts: missense variant (1).
Genome position (GRCh38, 1-based): chr17:77,405,113, G>A. VCF-style: chr17-77405113-G-A. GRCh37 (hg19) VCF-style: chr17-75401195-G-A.
Other names: c.22G>A, p.Gly8Arg (NM_001293696.2); c.664+2410G>A (NM_001293695.2); c.229+2410G>A (NM_001113492.2, NM_001113494.1); c.667+2410G>A (NM_006640.5); c.700+2410G>A (NM_001113493.2); short protein forms G8R.
Identifiers: ClinVar variation 4885963 (VCV004885963.2).